The following is an entry in ClinVar:

NM_001130438.3(SPTAN1):c.794A>G (p.Asp265Gly)

Gene: SPTAN1 (spectrin alpha, non-erythrocytic 1; plus strand). Cytogenetic location: 9q34.11.
Variant type: single nucleotide variant.
Coding change: c.794A>G on transcript NM_001130438.3 (MANE Select); coding-DNA position 794, A replaced by G.
Protein change: p.Asp265Gly; replaces aspartic acid 265 with glycine.
Molecular consequence: missense variant.
Genome position (GRCh38, 1-based): chr9:128,577,137, A>G. VCF-style: chr9-128577137-A-G. GRCh37 (hg19) VCF-style: chr9-131339416-A-G.
Other names: c.794A>G, p.Asp265Gly (NM_001195532.2, NM_001363759.2, NM_001363765.2 and 5 more transcripts); c.830A>G, p.Asp277Gly (NM_001375312.2, NM_001375318.1); short protein forms D265G, D277G.
Identifiers: ClinVar variation 2129280 (VCV002129280.4), dbSNP rs2541049298, ClinGen allele CA375048325.

ClinVar aggregate classification (germline): Uncertain significance (1 of 4 stars; one submission).

Conditions:
Early-infantile DEE. Also called: Early infantile epileptic encephalopathy; Ohtahara syndrome; Early infantile epileptic encephalopathy with suppression bursts. Identifiers: Orphanet 1934, MedGen C0393706, MONDO:0800491.

Submission:

Labcorp Genetics (formerly Invitae), Labcorp
Classification: Uncertain significance for Early-infantile DEE. Last evaluated: 2022-04-22. Review status: criteria provided, single submitter. Criteria: Invitae Variant Classification Sherloc (09022015). Collection method: clinical testing. Allele origin: germline.
Comment: This sequence change replaces aspartic acid, which is acidic and polar, with glycine, which is neutral and non-polar, at codon 265 of the SPTAN1 protein (p.Asp265Gly). This variant is not present in population databases (gnomAD no frequency). This variant has not been reported in the literature in individuals affected with SPTAN1-related conditions. Algorithms developed to predict the effect of missense changes on protein structure and function (SIFT, PolyPhen-2, Align-GVGD) all suggest that this variant is likely to be disruptive. In summary, the available evidence is currently insufficient to determine the role of this variant in disease. Therefore, it has been classified as a Variant of Uncertain Significance.